The following is an entry in ClinVar:

ClinVar aggregate classification (germline): Conflicting classifications of pathogenicity. Review status: criteria provided, conflicting classifications (1 of 4 stars). 2 submissions from 1 submitter: Uncertain significance (1); Benign (1). Last evaluated 2018-01-12.

Conditions:
3-Methylglutaconic aciduria type 3 (MGCA3). Also called: OPA3, AUTOSOMAL RECESSIVE; OPA3-Related 3-Methylglutaconic Aciduria; Costeff Syndrome; OPTIC ATROPHY 3, AUTOSOMAL RECESSIVE. Identifiers: Orphanet 67047, MedGen C0574084, MONDO:0009787, OMIM 258501.
Optic atrophy 3 (OPA3). Also called: OPTIC ATROPHY 3, AUTOSOMAL DOMINANT; Optic atrophy, cataract, and neurologic disorder; Optic atrophy 3 with cataract. Identifiers: Orphanet 67036, MedGen C1833809, MONDO:0008133, OMIM 165300.

Allele frequency attached by ClinVar (database versions not stated): 1000 Genomes Project 0.00220; gnomAD 0.00221 and 0.00229; TOPMed 0.00240; 1000 Genomes Project 30x 0.00281.

Submissions (2):

Illumina Laboratory Services, Illumina
Classification: Benign for Optic atrophy 3. Last evaluated: 2018-01-12. Review status: criteria provided, single submitter. Criteria: ICSL Variant Classification Criteria 13 December 2019. Collection method: clinical testing. Allele origin: germline.
Comment: This variant was observed in the ICSL laboratory as part of a predisposition screen in an ostensibly healthy population. It had not been previously curated by ICSL or reported in the Human Gene Mutation Database (HGMD: prior to June 1st, 2018), and was therefore a candidate for classification through an automated scoring system. Utilizing variant allele frequency, disease prevalence and penetrance estimates, and inheritance mode, an automated score was calculated to assess if this variant is too frequent to cause the disease. Based on the score and internal cut-off values, a variant classified as benign is not then subjected to further curation. The score for this variant resulted in a classification of benign for this disease.

Illumina Laboratory Services, Illumina
Classification: Uncertain significance for 3-Methylglutaconic aciduria type 3. Last evaluated: 2018-01-12. Review status: criteria provided, single submitter. Criteria: ICSL Variant Classification Criteria 13 December 2019. Collection method: clinical testing. Allele origin: germline.

NM_025136.4(OPA3):c.*6554G>A

Genes: OPA3 (outer mitochondrial membrane lipid metabolism regulator OPA3; minus strand), OPA3-RTN2 (OPA3-RTN2 readthrough; minus strand). Cytogenetic location: 19q13.32.
Variant type: single nucleotide variant.
Coding change: c.*6554G>A on transcript NM_025136.4 (MANE Select); 6554 bases downstream of the stop codon, G replaced by A.
Molecular consequence: 3 prime UTR variant. On other transcripts: intron variant (1).
Genome position (GRCh38, 1-based): chr19:45,546,960, C>T on the plus strand (G>A on the coding strand, the complement: OPA3 is on the minus strand). VCF-style: chr19-45546960-C-T. GRCh37 (hg19) VCF-style: chr19-46050218-C-T.
Other names: c.143-17504G>A (NM_001017989.3).
Identifiers: ClinVar variation 894772 (VCV000894772.4), dbSNP rs184177890, ClinGen allele CA308953320.